The following is an entry in ClinVar:

ClinVar aggregate classification (germline): Pathogenic/Likely pathogenic. Review status: criteria provided, multiple submitters, no conflicts (2 of 4 stars). 2 submissions from 2 submitters: Pathogenic (1); Likely pathogenic (1). Last evaluated 2022-01-11.

Conditions:
Carney-Stratakis syndrome. Also called: PARAGANGLIOMA AND GASTROINTESTINAL STROMAL TUMOR. Identifiers: Orphanet 97286, MedGen C1847319, MONDO:0011740, OMIM 606864.
Pheochromocytoma. Also called: MAX-Related Hereditary Paraganglioma-Pheochromocytoma Syndrome. Identifiers: Orphanet 29072, MedGen C0031511, MONDO:0008233, OMIM 171300, HP:0002666.
Paragangliomas with sensorineural hearing loss. Identifiers: MedGen C1868633.
Cowden syndrome 3 (CWS3). Identifiers: Orphanet 201, MedGen CN166604, MONDO:0014045.
Hereditary cancer-predisposing syndrome. Also called: Hereditary Cancer Syndrome; Hereditary neoplastic syndrome; Tumor predisposition; Neoplastic Syndromes, Hereditary. Identifiers: Orphanet 140162, MedGen C0027672, MeSH D009386, MONDO:0015356.

Submissions (2):

Labcorp Genetics (formerly Invitae), Labcorp
Classification: Pathogenic for Carney-Stratakis syndrome; Paragangliomas with sensorineural hearing loss; Pheochromocytoma; Cowden syndrome 3. Last evaluated: 2022-01-11. Review status: criteria provided, single submitter. Criteria: Invitae Variant Classification Sherloc (09022015). Collection method: clinical testing. Allele origin: germline.
Comment: Experimental studies have shown that this missense change does not substantially affect SDHD function (PMID: 23175444). For these reasons, this variant has been classified as Pathogenic. Algorithms developed to predict the effect of missense changes on protein structure and function are either unavailable or do not agree on the potential impact of this missense change (SIFT: "Tolerated"; PolyPhen-2: "Probably Damaging"; Align-GVGD: "Class C0"). This sequence change replaces glycine, which is neutral and non-polar, with aspartic acid, which is acidic and polar, at codon 106 of the SDHD protein (p.Gly106Asp). This variant is not present in population databases (gnomAD no frequency). This missense change has been observed in individuals with paragangliomas (PMID: 17041923, 17102085, 19550080, 22241717, 22566194, 29925701). It has also been observed to segregate with disease in related individuals.

Ambry Genetics
Classification: Likely pathogenic for Hereditary cancer-predisposing syndrome. Last evaluated: 2021-12-16. Review status: criteria provided, single submitter. Criteria: Ambry Variant Classification Scheme 2023. Collection method: clinical testing. Allele origin: germline.
Comment: The p.G106D variant (also known as c.317G>A), located in coding exon 4 of the SDHD gene, results from a G to A substitution at nucleotide position 317. The glycine at codon 106 is replaced by aspartic acid, an amino acid with similar properties. This alteration has been identified in numerous individuals with paraganglioma, and was found to segregate with disease in one family (Ogawa K et al. Am. J. Med. Genet. A. 2006 Nov;140:2441-6; Yamashita R et al. Endocr. J. 2009 Jun;56:1129-35; Kimura N et al. Endocr. Pathol. 2010 Jun;21:139-43; Piccini V et al. Endocr. Relat. Cancer. 2012 Apr;19:149-55; Papathomas TG et al. Mod. Pathol. 2015 Jun;28:807-21; Yamanaka M et al. Tohoku J. Exp. Med. 2018 06;245:99-105; Yonamine M et al. Cancers (Basel). 2021 Aug;13). A yeast-based functional assay has shown this alteration resulted in no phenotypic effect on oxidative growth, however, authors hypothesize that yeast may not be a reliable model for SDHD subunit function (Panizza E et al Hum. Mol. Genet. 2013 Feb; 22(4):804-15). This variant is considered to be rare based on population cohorts in the Genome Aggregation Database (gnomAD). This amino acid position is highly conserved in available vertebrate species. In addition, this alteration is predicted to be deleterious by in silico analysis. Based on the majority of available evidence to date, this variant is likely to be pathogenic.

Literature cited by the submitters: PubMed 23175444 (cited by Labcorp Genetics (formerly Invitae), Labcorp and Ambry Genetics); PubMed 17041923 (cited by Labcorp Genetics (formerly Invitae), Labcorp and Ambry Genetics); PubMed 17102085 (cited by Labcorp Genetics (formerly Invitae), Labcorp); PubMed 19550080 (cited by Labcorp Genetics (formerly Invitae), Labcorp and Ambry Genetics); PubMed 22241717 (cited by Labcorp Genetics (formerly Invitae), Labcorp and Ambry Genetics); PubMed 22566194 (cited by Labcorp Genetics (formerly Invitae), Labcorp); PubMed 29925701 (cited by Labcorp Genetics (formerly Invitae), Labcorp and Ambry Genetics); PubMed 19936639 (cited by Ambry Genetics); PubMed 25720320 (cited by Ambry Genetics); PubMed 34439168 (cited by Ambry Genetics).

NM_003002.4(SDHD):c.317G>A (p.Gly106Asp)

Gene: SDHD (succinate dehydrogenase complex subunit D; plus strand). Cytogenetic location: 11q23.1.
Variant type: single nucleotide variant.
Coding change: c.317G>A on transcript NM_003002.4 (MANE Select); coding-DNA position 317, G replaced by A.
Protein change: p.Gly106Asp; replaces glycine 106 with aspartic acid.
Molecular consequence: missense variant. On other transcripts: 3 prime UTR variant (1), non-coding transcript variant (1).
Genome position (GRCh38, 1-based): chr11:112,094,807, G>A. VCF-style: chr11-112094807-G-A. GRCh37 (hg19) VCF-style: chr11-111965531-G-A.
Other names: c.172G>A, p.Ala58Thr (NM_001276503.2); c.200G>A, p.Gly67Asp (NM_001276504.2); c.*15G>A (NM_001276506.2); short protein forms A58T, G67D, G106D.
Identifiers: ClinVar variation 1401809 (VCV001401809.10), dbSNP rs1555187574, ClinGen allele CA382618729.